The following is an entry in ClinVar:

ClinVar aggregate classification (germline): Uncertain significance. Review status: criteria provided, multiple submitters, no conflicts (2 of 4 stars). 2 submissions from 2 submitters: Uncertain significance (2). Last evaluated 2021-10-11.

Conditions:
POLD1-related polyposis and colorectal cancer syndrome (CRCS10). Also called: Colorectal cancer 10; COLORECTAL CANCER, SUSCEPTIBILITY TO, ON CHROMOSOME 19q; Colorectal cancer, susceptibility to, 10. Identifiers: Orphanet 220460, MedGen C2675481, MONDO:0012953, OMIM 612591.

Submissions (2):

MGZ Medical Genetics Center
Classification: Uncertain significance for POLD1-related polyposis and colorectal cancer syndrome. Last evaluated: 2021-10-11. Review status: criteria provided, single submitter. Criteria: ACMG Guidelines, 2015. Collection method: clinical testing. Allele origin: germline. Affected: yes. Observed: 1 variant allele.
Comment: ACMG criteria applied: PM2_SUP, PP3

Labcorp Genetics (formerly Invitae), Labcorp
Classification: Uncertain significance for POLD1-related polyposis and colorectal cancer syndrome. Last evaluated: 2021-08-28. Review status: criteria provided, single submitter. Criteria: Invitae Variant Classification Sherloc (09022015). Collection method: clinical testing. Allele origin: germline.
Comment: This sequence change replaces aspartic acid with glycine at codon 515 of the POLD1 protein (p.Asp515Gly). The aspartic acid residue is highly conserved and there is a moderate physicochemical difference between aspartic acid and glycine. In summary, the available evidence is currently insufficient to determine the role of this variant in disease. Therefore, it has been classified as a Variant of Uncertain Significance. Algorithms developed to predict the effect of sequence changes on RNA splicing suggest that this variant may create or strengthen a splice site. Algorithms developed to predict the effect of missense changes on protein structure and function are either unavailable or do not agree on the potential impact of this missense change (SIFT: "Deleterious"; PolyPhen-2: "Probably Damaging"; Align-GVGD: "Class C0"). This variant has not been reported in the literature in individuals affected with POLD1-related conditions. This variant is not present in population databases (ExAC no frequency).

NM_002691.4(POLD1):c.1544A>G (p.Asp515Gly)

Gene: POLD1 (DNA polymerase delta 1, catalytic subunit; plus strand). Cytogenetic location: 19q13.33.
Variant type: single nucleotide variant.
Coding change: c.1544A>G on transcript NM_002691.4 (MANE Select); coding-DNA position 1544, A replaced by G.
Protein change: p.Asp515Gly; replaces aspartic acid 515 with glycine.
Molecular consequence: missense variant. On other transcripts: non-coding transcript variant (1).
Genome position (GRCh38, 1-based): chr19:50,407,032, A>G. VCF-style: chr19-50407032-A-G. GRCh37 (hg19) VCF-style: chr19-50910289-A-G.
Other names: c.1544A>G, p.Asp515Gly (NM_001256849.1, NM_001308632.1); short protein forms D515G.
Identifiers: ClinVar variation 1486924 (VCV001486924.8), dbSNP rs2122337165, ClinGen allele CA406980843.